The following is an entry in ClinVar:

NM_000218.3(KCNQ1):c.477+5G>A

Gene: KCNQ1 (potassium voltage-gated channel subfamily Q member 1; plus strand). Cytogenetic location: 11p15.5.
Variant type: single nucleotide variant.
Coding change: c.477+5G>A on transcript NM_000218.3 (MANE Select); 5 bases into the intron after coding-DNA position 477, G replaced by A.
Molecular consequence: intron variant.
Genome position (GRCh38, 1-based): chr11:2,528,023, G>A. VCF-style: chr11-2528023-G-A. GRCh37 (hg19) VCF-style: chr11-2549253-G-A.
Other names: c.207+5G>A (NM_001406837.1); c.477+5G>A (NM_001406836.1, NM_001406838.1); c.96+5G>A (NM_181798.2).
Identifiers: ClinVar variation 53047 (VCV000053047.86), dbSNP rs397508111, ClinGen allele CA007174.

ClinVar aggregate classification (germline): Likely pathogenic. Review status: reviewed by expert panel (3 of 4 stars). 20 submissions from 20 submitters: Likely pathogenic (1). 19 of the submissions do not count toward it. Last evaluated 2025-07-01.

Conditions:
Cardiovascular phenotype. Identifiers: MedGen CN230736.
Atrial fibrillation, familial, 3 (ATFB3). Identifiers: MedGen C1837014, MONDO:0011857, OMIM 607554.
Jervell and Lange-Nielsen syndrome (JLNS). Also called: Jervell-Lange Nielsen syndrome. Identifiers: Orphanet 90647, MedGen C0022387, MONDO:0002441.
Long QT syndrome 1 (LQT1). Identifiers: Orphanet 101016, Orphanet 768, MedGen C4551647, MONDO:0100316, OMIM 192500, MONDO:0008646.
Short QT syndrome type 2. Identifiers: Orphanet 51083, MedGen C1865019, MONDO:0012313, OMIM 609621.
KCNQ1-related disorder. Also called: KCNQ1-related condition; KCNQ1-related disorders. Identifiers: MedGen CN239322.
Cardiac arrhythmia. Also called: Arrhythmia; Cardiac rhythm disease. Identifiers: MedGen C0003811, MONDO:0007263, HP:0011675.
Familial long QT syndrome (RWS). Also called: Congenital long QT syndrome; Romano-Ward syndrome; VENTRICULAR FIBRILLATION WITH PROLONGED QT INTERVAL. Identifiers: Orphanet 768, MedGen C1141890, MONDO:0019171.
Long QT syndrome (LQTS). Identifiers: MedGen C0023976, MeSH D008133, MONDO:0002442. Disease mechanism: loss of function. Inheritance: Various modes of inheritance.

Allele frequency attached by ClinVar (database versions not stated): gnomAD exomes 0.00001; TOPMed 0.00001; gnomAD 0.00001; ExAC 0.00002.
gnomAD v4.1: 13 of 1,608,870 alleles (0.00081%); highest among the groups gnomAD compares: African/African-American, 0.0013%; no homozygotes.

Submissions 1 to 6 of 20:

ClinGen Potassium Channel Arrhythmia Variant Curation Expert Panel, ClinGen
Classification: Likely pathogenic for Long QT syndrome 1. Last evaluated: 2025-07-01. Review status: reviewed by expert panel. Criteria: ClinGen KChannel ACMG Specifications KCNQ1 V1.0.0 2. Collection method: curation. Allele origin: germline. Inheritance: Autosomal dominant inheritance.
Comment: NM_000218.3(KCNQ1):c.477+5G>A is a variant in intron 2. The computational splicing predictor SpliceAI gives a score of 0.64 for donor gain (Threshold is > 0.5), predicting that the variant disrupts the donor splice site of intron 2 of KCNQ1 (PP3). A minigene assay showed that the variant disrupts splicing resulting in stop codon, indicating that this variant impacts protein function (PMID: 36197721), however at least two functional studies are needed for PS3_Supporting, so this criterion is not met. Another variant disrupting this splice site, NM_000218.3(KCNQ1):c.477+1G>A, has been classified as pathogenic for long QT syndrome 1 by the ClinGen Potassium Channel Arrhythmia VCEP, however, PS1 is not considered applicable for intronic variants. This variant has been reported in at least 13 probands with long QT syndrome (PS4; PMID: 19716085, PMID: 21350584, PMID: 23995044, PMID: 15840476, PMID: 10973849, PMID: 10728423). At least one affected proband exhibited QTc prolongation above 480 milliseconds and swimming-associated events, which together are highly specific for long QT syndrome 1 (PP4, PMID: 10560595). This variant has been reported to segregate with LQTS in 2 mother/child relationships, as well as one proband with JLNS and aunt affected with LQTS with QTc>480, which are not sufficient to meet the PP1 code (PMID: 23124029, PMID: 10728423). This variant is present in gnomAD v.4.1.0 at a maximum allele frequency of 0.00001337, with 1/74812 in the African / African-American population, which is higher than the ClinGen Potassium Channel Arrhythmia VCEP PM2_Supporting threshold of <0.00001, but lower than the BS1 threshold of >0.0004, so neither criterion is met. This variant has been detected in at least 2 individuals with a diagnosis of Jervell and Lange-Nielsen syndrome, one of whom harbored the variant confirmed in trans with the NM_000218.3(KCNQ1):c.1741A>T (p.Lys581Ter) variant, which was previously classified pathogenic by the ClinGen Potassium Channel Arrhythmia VCEP (PMID: 32508908), however PM3 is not met since this code requires the variant to be sufficiently rare (meeting PM2_Supporting). The other patient harbored the variant confirmed in trans with the p.Tyr171Ter variant, which was not specifically described at the DNA level and has not been previously classified by the ClinGen Potassium Channel Arrhythmia VCEP (PMID: 23392653). In summary, this variant meets the criteria to be classified as likely pathogenic for long QT syndrome 1 based on the ACMG/AMP criteria applied, as specified by the ClinGen Potassium Channel Arrhythmia VCEP: PS4, PP3, and PP4. (VCEP specifications version 1.0.0; date of approval 03/04/2025).

CeGaT Center for Human Genetics Tuebingen
Classification: Pathogenic. Last evaluated: 2026-08-01. Review status: criteria provided, single submitter. Criteria: CeGaT Center For Human Genetics Tuebingen Variant Classification Criteria Version 2. Collection method: clinical testing. Allele origin: germline. Affected: yes. Observed: 1 variant allele. Not counted in ClinVar's aggregate classification.
Comment: KCNQ1: PVS1, PS4, PM2:Supporting, PS1:Supporting

Ambry Genetics
Classification: Pathogenic for Cardiovascular phenotype. Last evaluated: 2026-07-07. Review status: criteria provided, single submitter. Criteria: Ambry Variant Classification Scheme 2023. Collection method: clinical testing. Allele origin: germline. Not counted in ClinVar's aggregate classification.
Comment: The c.477+5G>A intronic variant consists of a G to A substitution 5 nucleotides after exon 2 (coding exon 2) of the KCNQ1 gene. Manually edit references for: Amirian A et al. J Mol Genet med. 2018;12:(3) doi 10.4172/1747-0862.1000359 and Crehalet H et al. Cardiogenetics. 2012;2:e6 DOI 10.4081/cardiogenetics.2012.e6 (no PMIDs) Based on data from gnomAD, the A allele has an overall frequency of 0.001% (3/250976) total alleles studied. The highest observed frequency was 0.003% (1/30616) of South Asian alleles. This variant (also known as IVS2+5G>A, IVS1+5G>A and c.639+5G>A) was identified in one or more individuals with features consistent with long QT syndrome (LQTS) and segregated with disease in at least one family (Ackerman, 1999; Chouabe, 2000; Millat, 2006; Kapplinger, 2009; Hofman, 2011; Crehalet, 2012; Obeyesekere, 2012; Cuneo, 2013; Al-Hassnan, 2017). This variant has been identified in the homozygous state and/or in conjunction with other KCNQ1 variant(s) in individual(s) with features consistent with Jervell and Lange-Nielson syndrome (JLNS); in at least one instance, the variants were identified in trans (Chouabe, 2000; Giudicessi, 2013; Amirian, 2018; Qiu, 2020). This nucleotide position is well conserved in available vertebrate species. A minigene assay indicated that this mutation leads to the utilization of a cryptic donor, resulting in a frameshift and premature truncation (Crehalet, 2012). In silico splice site analysis predicts that this alteration may weaken the native splice donor site. Based on the available evidence, this alteration is classified as pathogenic.

3billion
Classification: Pathogenic for KCNQ1-related disorder. Last evaluated: 2026-01-19. Review status: criteria provided, single submitter. Criteria: ACMG Guidelines, 2015. Collection method: clinical testing. Allele origin: germline. Affected: yes. Not counted in ClinVar's aggregate classification.
Comment: The variant is observed at an extremely low frequency in the gnomAD v4.1.0 dataset (total allele frequency: <0.001%). Predicted Consequence/Location: Intron variant In silico tools predict the variant to alter splicing and produce an abnormal transcript [SpliceAI: 0.64 (>=0.2, moderate evidence for spliceogenicity)]. The variant has been reported multiple times as an established pathogenic variant (ClinVar ID: VCV000053047 /PMID: 10560595). Therefore, this variant is classified as Pathogenic according to the recommendation of ACMG/AMP guideline.

Labcorp Genetics (formerly Invitae), Labcorp
Classification: Pathogenic for Long QT syndrome. Last evaluated: 2026-01-14. Review status: criteria provided, single submitter. Criteria: Invitae Variant Classification Sherloc (09022015). Collection method: clinical testing. Allele origin: germline. Not counted in ClinVar's aggregate classification.
Comment: This sequence change falls in intron 2 of the KCNQ1 gene. It does not directly change the encoded amino acid sequence of the KCNQ1 protein. It affects a nucleotide within the consensus splice site. This variant is present in population databases (rs397508111, gnomAD 0.003%). This variant has been observed in individuals with Jervell and Lange-Nielsen syndrome (JLNS) and/or long QT syndrome (PMID: 10560595, 10973849, 16922724, 22429796, 23392653). This variant is also known as c.639+5G>A, IVSI+5G>A, IVS2+5G>A, and M159sp. ClinVar contains an entry for this variant (Variation ID: 53047). Variants that disrupt the consensus splice site are a relatively common cause of aberrant splicing (PMID: 17576681, 9536098). Algorithms developed to predict the effect of sequence changes on RNA splicing suggest that this variant may disrupt the consensus splice site. For these reasons, this variant has been classified as Pathogenic.

Clinical Genetics Laboratory, University Hospital Schleswig-Holstein
Classification: Likely pathogenic for Long QT syndrome 1. Last evaluated: 2025-11-19. Review status: criteria provided, single submitter. Criteria: ACMG Guidelines, 2015. Collection method: clinical testing. Allele origin: germline. Observed: 2 heterozygotes. Not counted in ClinVar's aggregate classification.
Comment: ACMG criteria applied: PS4, PP3, PP4